The following is an entry in ClinVar:

NM_000379.4(XDH):c.3764A>T (p.Tyr1255Phe)

Gene: XDH (xanthine dehydrogenase; minus strand). Cytogenetic location: 2p23.1.
Variant type: single nucleotide variant.
Coding change: c.3764A>T on transcript NM_000379.4 (MANE Select); coding-DNA position 3764, A replaced by T.
Protein change: p.Tyr1255Phe; replaces tyrosine 1255 with phenylalanine.
Molecular consequence: missense variant.
Genome position (GRCh38, 1-based): chr2:31,339,499, T>A on the plus strand (A>T on the coding strand, the complement: XDH is on the minus strand). VCF-style: chr2-31339499-T-A. GRCh37 (hg19) VCF-style: chr2-31562365-T-A.
Other names: c.3764A>T (NM_000379.3); short protein forms Y1255F.
Identifiers: ClinVar variation 2041833 (VCV002041833.6), dbSNP rs147253350, ClinGen allele CA1598282.
Genomic context (GRCh38, chr2:31,339,499, plus strand): 5'-CTCCCCCAGGGCAGATCAGAAGAGACAGCACAGAGCCAGAGCAATGGTACCTTCGATGCA[T>A]AGATGGCCTTCTTGTTGGGGCAGTCGCGGAGCAGGGACACCCTGAACTCAATGGGGATGC-3'
Protein context (NP_000370.2, residues 1245-1265): LRDCPNKKAI[Tyr1255Phe]ASKAVGEPPL

ClinVar aggregate classification (germline): Likely benign. Review status: criteria provided, single submitter (1 of 4 stars). 2 submissions from 2 submitters: Likely benign (1). 1 of the submissions does not count toward it. Last evaluated 2025-07-11.

Conditions:
XDH-related disorder. Also called: XDH-related condition.
Xanthinuria type II. Also called: Xanthine dehydrogenase and aldehyde oxidase combined deficiency of; XDH and AOX dual deficiency. Identifiers: Orphanet 3467, Orphanet 93602, MedGen C1863688, MONDO:0011346, OMIM 603592.

Allele frequency attached by ClinVar (database versions not stated): ExAC 0.00020; 1000 Genomes Project 0.00060; gnomAD 0.00075; 1000 Genomes Project 30x 0.00078; ESP Exome Variant Server 0.00108.
gnomAD v4.1: 200 of 1,614,106 alleles (0.012%); highest among the groups gnomAD compares: African/African-American, 0.25%; no homozygotes.

Submissions (2):

Labcorp Genetics (formerly Invitae), Labcorp
Classification: Likely benign for Xanthinuria type II. Last evaluated: 2025-07-11. Review status: criteria provided, single submitter. Criteria: Invitae Variant Classification Sherloc (09022015). Collection method: clinical testing. Allele origin: germline.

PreventionGenetics, part of Exact Sciences
Classification: Likely benign for XDH-related condition. Last evaluated: 2022-03-02. Review status: no assertion criteria provided. Collection method: clinical testing. Allele origin: germline. Not counted in ClinVar's aggregate classification.
Comment: This variant is classified as likely benign based on ACMG/AMP sequence variant interpretation guidelines (Richards et al. 2015 PMID: 25741868, with internal and published modifications).